The following is an entry in ClinVar:

ClinVar aggregate classification (germline): Uncertain significance (1 of 4 stars; one submission).

Allele frequency attached by ClinVar (database versions not stated): gnomAD exomes below 0.00001; TOPMed below 0.00001; gnomAD 0.00001.

Submission:

Labcorp Genetics (formerly Invitae), Labcorp
Classification: Uncertain significance. Last evaluated: 2022-12-11. Review status: criteria provided, single submitter. Criteria: Invitae Variant Classification Sherloc (09022015). Collection method: clinical testing. Allele origin: germline.
Comment: In summary, the available evidence is currently insufficient to determine the role of this variant in disease. Therefore, it has been classified as a Variant of Uncertain Significance. Algorithms developed to predict the effect of sequence changes on RNA splicing suggest that this variant may disrupt the consensus splice site. This variant has not been reported in the literature in individuals affected with RGR-related conditions. This variant is not present in population databases (gnomAD no frequency). This sequence change falls in intron 2 of the RGR gene. It does not directly change the encoded amino acid sequence of the RGR protein.

NM_001012720.2(RGR):c.237-26_237-16del

Gene: RGR (retinal G protein coupled receptor; plus strand). Cytogenetic location: 10q23.1.
Variant type: Deletion.
Coding change: c.237-26_237-16del on transcript NM_001012720.2 (MANE Select); 26 bases into the intron before coding-DNA position 237 through 16 bases into the intron before coding-DNA position 237, 11 bases deleted (TCACTGGTGCC).
Molecular consequence: intron variant.
Genome position (GRCh38, 1-based): chr10:84,248,896-84,248,906, TCACTGGTGCC deleted. VCF-style (leftmost placement, unchanged base first): chr10-84248895-GTCACTGGTGCC-G. GRCh37 (hg19) VCF-style: chr10-86008651-GTCACTGGTGCC-G.
Other names: c.237-14_237-4del (NM_002921.4); c.237-26_237-16del (NM_001012722.2).
Identifiers: ClinVar variation 2820152 (VCV002820152.3), dbSNP rs1468660190, ClinGen allele CA669248854.